The following is an entry in ClinVar:

ClinVar aggregate classification (germline): Likely benign (1 of 4 stars; one submission).

gnomAD v4.1: 29 of 199,644 alleles (0.015%); highest among the groups gnomAD compares: Non-Finnish European, 0.018%; no homozygotes.

Submission:

Mayo Clinic Laboratories, Mayo Clinic
Classification: Likely benign. Last evaluated: 2025-07-22. Review status: criteria provided, single submitter. Criteria: ACMG Guidelines, 2015. Collection method: clinical testing. Allele origin: germline. Observed: 1 variant allele.
Comment: BP4, BP7

NM_003126.4(SPTA1):c.*131T>C

Genes: OR10Z1 (olfactory receptor family 10 subfamily Z member 1; plus strand), SPTA1 (spectrin alpha, erythrocytic 1; minus strand). Cytogenetic location: 1q23.1.
Variant type: single nucleotide variant.
Coding change: c.*131T>C on transcript NM_003126.4 (MANE Select); 131 bases downstream of the stop codon, T replaced by C.
Molecular consequence: 3 prime UTR variant.
Genome position (GRCh38, 1-based): chr1:158,611,133, A>G on the plus strand (T>C on the coding strand, the complement: SPTA1 is on the minus strand). VCF-style: chr1-158611133-A-G. GRCh37 (hg19) VCF-style: chr1-158580923-A-G.
Other names: p.?; c.*3753A>G (NM_001004478.2).
Identifiers: ClinVar variation 4683571 (VCV004683571.1).